The following is an entry in ClinVar:

NM_025179.4(PLXNA2):c.996C>T (p.Asp332=)

Gene: PLXNA2 (plexin A2; minus strand). Cytogenetic location: 1q32.2.
Variant type: single nucleotide variant.
Coding change: c.996C>T on transcript NM_025179.4 (MANE Select); coding-DNA position 996, C replaced by T.
Protein change: p.Asp332=; no amino-acid change (aspartic acid 332 retained).
Molecular consequence: synonymous variant.
Genome position (GRCh38, 1-based): chr1:208,216,927, G>A on the plus strand (C>T on the coding strand, the complement: PLXNA2 is on the minus strand). VCF-style: chr1-208216927-G-A. GRCh37 (hg19) VCF-style: chr1-208390272-G-A.
Other names: c.996C>T (NM_025179.3).
Identifiers: ClinVar variation 3706101 (VCV003706101.3).

ClinVar aggregate classification (germline): Likely benign. Review status: criteria provided, multiple submitters, no conflicts (2 of 4 stars). 2 submissions from 2 submitters: Likely benign (2). Last evaluated 2025-05-15.

Conditions:
PLXNA2-related disorder. Also called: PLXNA2-related condition.

gnomAD v4.1: 67 of 1,614,172 alleles (0.0042%); highest among the groups gnomAD compares: East Asian, 0.082%; no homozygotes.

Submissions (2):

PreventionGenetics, part of Exact Sciences
Classification: Likely benign for PLXNA2-related condition. Last evaluated: 2025-05-15. Review status: criteria provided, single submitter. Criteria: ACMG Guidelines, 2015. Collection method: clinical testing. Allele origin: germline.
Comment: This variant is classified as likely benign based on ACMG/AMP sequence variant interpretation guidelines (Richards et al. 2015 PMID: 25741868, with internal and published modifications).

Labcorp Genetics (formerly Invitae), Labcorp
Classification: Likely benign. Last evaluated: 2025-01-13. Review status: criteria provided, single submitter. Criteria: Invitae Variant Classification Sherloc (09022015). Collection method: clinical testing. Allele origin: germline.